The following is an entry in ClinVar:

ClinVar aggregate classification (germline): Pathogenic/Likely pathogenic. Review status: criteria provided, multiple submitters, no conflicts (2 of 4 stars). 2 submissions from 2 submitters: Pathogenic (1); Likely pathogenic (1). Last evaluated 2024-11-14.

Conditions:
ATR-related disorder. Also called: ATR-related condition.

Allele frequency attached by ClinVar (database versions not stated): gnomAD exomes below 0.00001; gnomAD 0.00001; TOPMed 0.00001.
gnomAD v4.1: 7 of 1,613,906 alleles (0.00043%); highest among the groups gnomAD compares: Non-Finnish European, 0.00059%; no homozygotes.

Submissions (2):

Blueprint Genetics
Classification: Likely pathogenic for ATR-related disorders. Last evaluated: 2024-11-14. Review status: criteria provided, single submitter. Criteria: ACMG Guidelines, 2015. Collection method: clinical testing. Allele origin: germline. Affected: yes. Observed: 5 variant alleles.

Labcorp Genetics (formerly Invitae), Labcorp
Classification: Pathogenic. Last evaluated: 2024-08-01. Review status: criteria provided, single submitter. Criteria: Invitae Variant Classification Sherloc (09022015). Collection method: clinical testing. Allele origin: germline.
Comment: This sequence change creates a premature translational stop signal (p.Gln62*) in the ATR gene. It is expected to result in an absent or disrupted protein product. Loss-of-function variants in ATR are known to be pathogenic (PMID: 21228398, 23144622). This variant is present in population databases (no rsID available, gnomAD 0.007%). This variant has not been reported in the literature in individuals affected with ATR-related conditions. ClinVar contains an entry for this variant (Variation ID: 2171821). Algorithms developed to predict the effect of sequence changes on RNA splicing suggest that this variant may disrupt the consensus splice site. For these reasons, this variant has been classified as Pathogenic.

Literature cited by the submitters: PubMed 21228398 (cited by Labcorp Genetics (formerly Invitae), Labcorp); PubMed 23144622 (cited by Labcorp Genetics (formerly Invitae), Labcorp).

NM_001184.4(ATR):c.184C>T (p.Gln62Ter)

Gene: ATR (ATR checkpoint kinase; minus strand). Cytogenetic location: 3q23.
Variant type: single nucleotide variant.
Coding change: c.184C>T on transcript NM_001184.4 (MANE Select); coding-DNA position 184, C replaced by T.
Protein change: p.Gln62Ter; replaces glutamine 62 with a stop codon.
Molecular consequence: nonsense.
Genome position (GRCh38, 1-based): chr3:142,566,229, G>A on the plus strand (C>T on the coding strand, the complement: ATR is on the minus strand). VCF-style: chr3-142566229-G-A. GRCh37 (hg19) VCF-style: chr3-142285071-G-A.
Other names: c.184C>T, p.Gln62Ter (NM_001354579.2); short protein forms Q62*.
Identifiers: ClinVar variation 2171821 (VCV002171821.5), dbSNP rs1443962821, ClinGen allele CA354828668.